The following is an entry in ClinVar:

ClinVar aggregate classification (germline): Pathogenic (1 of 4 stars; one submission).

Submission:

Labcorp Genetics (formerly Invitae), Labcorp
Classification: Pathogenic. Last evaluated: 2023-08-04. Review status: criteria provided, single submitter. Criteria: Invitae Variant Classification Sherloc (09022015). Collection method: clinical testing. Allele origin: germline.
Comment: This variant has not been reported in the literature in individuals affected with EIF2AK3-related conditions. This sequence change creates a premature translational stop signal (p.Phe608Leufs*7) in the EIF2AK3 gene. It is expected to result in an absent or disrupted protein product. Loss-of-function variants in EIF2AK3 are known to be pathogenic (PMID: 11997520). This variant is not present in population databases (gnomAD no frequency). For these reasons, this variant has been classified as Pathogenic.

Literature cited by the submitters: PubMed 11997520.

NM_004836.7(EIF2AK3):c.1824del (p.Phe608fs)

Gene: EIF2AK3 (eukaryotic translation initiation factor 2 alpha kinase 3; minus strand). Cytogenetic location: 2p11.2.
Variant type: Deletion.
Coding change: c.1824del on transcript NM_004836.7 (MANE Select); coding-DNA position 1824, one base deleted (T; older notation c.1824delT).
Protein change: p.Phe608fs; shifts the reading frame from phenylalanine 608.
Molecular consequence: frameshift variant.
Genome position (GRCh38, 1-based): chr2:88,579,580, A deleted on the plus strand (T on the coding strand, the reverse complement: EIF2AK3 is on the minus strand); the first of 5 consecutive A bases (chr2:88,579,580-88,579,584); deleting any one gives the same sequence. VCF-style (leftmost placement, unchanged base first): chr2-88579579-CA-C. GRCh37 (hg19) VCF-style: chr2-88879097-CA-C.
Other names: c.1371del, p.Phe457fs (NM_001313915.2); short protein forms F457fs, F608fs.
Identifiers: ClinVar variation 2033149 (VCV002033149.4), dbSNP rs1573396982, ClinGen allele CA2580068294.